The following is an entry in ClinVar:

ClinVar aggregate classification (germline): Conflicting classifications of pathogenicity. Review status: criteria provided, conflicting classifications (1 of 4 stars). 6 submissions from 6 submitters: Uncertain significance (4); Likely benign (1). 1 of the submissions does not count toward it. Last evaluated 2026-07-07.

Conditions:
SACS-related disorder. Also called: SACS-related condition.
Inborn genetic diseases. Identifiers: MedGen C0950123, MeSH D030342.
Charlevoix-Saguenay spastic ataxia (SACS). Also called: AUTOSOMAL RECESSIVE SPASTIC ATAXIA OF CHARLEVOIX-SAGUENAY; SPASTIC ATAXIA 6, AUTOSOMAL RECESSIVE; Spastic ataxia of Charlevoix-Saguenay. Identifiers: Orphanet 98, MedGen C1849140, MONDO:0010041, OMIM 270550.
Spastic paraplegia. Identifiers: MedGen C0037772, HP:0001258.

Allele frequency attached by ClinVar (database versions not stated): gnomAD 0.00003 and 0.00007; 1000 Genomes Project 0.00060; gnomAD exomes 0.00005 and 0.00010; TOPMed 0.00008; ExAC 0.00012; 1000 Genomes Project 30x 0.00047.
gnomAD v4.1: 100 of 1,613,796 alleles (0.0062%); highest among the groups gnomAD compares: South Asian, 0.061%; 1 homozygote.

Submissions (6):

PreventionGenetics, part of Exact Sciences
Classification: Uncertain significance for SACS-related condition. Last evaluated: 2026-07-07. Review status: criteria provided, single submitter. Criteria: ACMG Guidelines, 2015. Collection method: clinical testing. Allele origin: germline.
Comment: The SACS c.10181A>G variant is predicted to result in the amino acid substitution p.Asn3394Ser. To our knowledge, this variant has not been reported in the literature. This variant is reported in 0.049% of alleles in individuals of South Asian descent in gnomAD. At this time, the clinical significance of this variant is uncertain due to the absence of conclusive functional and genetic evidence.

Labcorp Genetics (formerly Invitae), Labcorp
Classification: Likely benign for Spastic paraplegia. Last evaluated: 2025-12-30. Review status: criteria provided, single submitter. Criteria: Invitae Variant Classification Sherloc (09022015). Collection method: clinical testing. Allele origin: germline.

Ambry Genetics
Classification: Uncertain significance for Inborn genetic diseases. Last evaluated: 2025-03-20. Review status: criteria provided, single submitter. Criteria: Ambry Variant Classification Scheme 2023. Collection method: clinical testing. Allele origin: germline.

Genome-Nilou Lab
Classification: Uncertain significance for Charlevoix-Saguenay spastic ataxia. Last evaluated: 2021-09-05. Review status: criteria provided, single submitter. Criteria: ACMG Guidelines, 2015. Collection method: clinical testing. Allele origin: germline. Affected: no.

Athena Diagnostics
Classification: Uncertain significance. Last evaluated: 2018-08-23. Review status: criteria provided, single submitter. Criteria: Athena Diagnostics Criteria. Collection method: clinical testing. Allele origin: germline.

Natera, Inc.
Classification: Uncertain significance for Charlevoix-Saguenay type spastic ataxia. Last evaluated: 2019-11-11. Review status: no assertion criteria provided. Collection method: clinical testing. Allele origin: germline. Not counted in ClinVar's aggregate classification.

NM_014363.6(SACS):c.10181A>G (p.Asn3394Ser)

Gene: SACS (sacsin molecular chaperone; minus strand). Cytogenetic location: 13q12.12.
Variant type: single nucleotide variant.
Coding change: c.10181A>G on transcript NM_014363.6 (MANE Select); coding-DNA position 10181, A replaced by G.
Protein change: p.Asn3394Ser; replaces asparagine 3394 with serine.
Molecular consequence: missense variant.
Genome position (GRCh38, 1-based): chr13:23,333,695, T>C on the plus strand (A>G on the coding strand, the complement: SACS is on the minus strand). VCF-style: chr13-23333695-T-C. GRCh37 (hg19) VCF-style: chr13-23907834-T-C.
Other names: c.9740A>G, p.Asn3247Ser (NM_001278055.2); c.10181A>G (NM_014363.5); short protein forms N3394S, N3247S.
Identifiers: ClinVar variation 586416 (VCV000586416.16), dbSNP rs375898103, ClinGen allele CA6910489.